The following is an entry in ClinVar:

NM_014000.3(VCL):c.2605G>A (p.Glu869Lys)

Gene: VCL (vinculin; plus strand). Cytogenetic location: 10q22.2.
Variant type: single nucleotide variant.
Coding change: c.2605G>A on transcript NM_014000.3 (MANE Select); coding-DNA position 2605, G replaced by A.
Protein change: p.Glu869Lys; replaces glutamic acid 869 with lysine.
Molecular consequence: missense variant.
Genome position (GRCh38, 1-based): chr10:74,109,016, G>A. VCF-style: chr10-74109016-G-A. GRCh37 (hg19) VCF-style: chr10-75868774-G-A.
Other names: c.2605G>A, p.Glu869Lys (NM_003373.4); short protein forms E869K.
Identifiers: ClinVar variation 3895258 (VCV003895258.1).

ClinVar aggregate classification (germline): Uncertain significance (1 of 4 stars; one submission).

Conditions:
Cardiovascular phenotype. Identifiers: MedGen CN230736.

Submission:

Molecular Diagnostic Laboratory for Inherited Cardiovascular Disease, Montreal Heart Institute
Classification: Uncertain significance for Cardiovascular phenotype. Last evaluated: 2025-04-09. Review status: criteria provided, single submitter. Criteria: ACMG Guidelines, 2015. Collection method: clinical testing. Allele origin: germline. Affected: yes.
Comment: PM2